The following is an entry in ClinVar:

ClinVar aggregate classification (germline): Uncertain significance (1 of 4 stars; one submission).

Allele frequency attached by ClinVar (database versions not stated): gnomAD 0.00002; TOPMed 0.00003; ESP Exome Variant Server 0.00008; 1000 Genomes Project 0.00060; 1000 Genomes Project 30x 0.00062.

Submission:

Labcorp Genetics (formerly Invitae), Labcorp
Classification: Uncertain significance. Last evaluated: 2024-06-22. Review status: criteria provided, single submitter. Criteria: Invitae Variant Classification Sherloc (09022015). Collection method: clinical testing. Allele origin: germline.
Comment: This sequence change replaces glycine, which is neutral and non-polar, with serine, which is neutral and polar, at codon 293 of the FBN3 protein (p.Gly293Ser). The frequency data for this variant in the population databases is considered unreliable, as metrics indicate poor data quality at this position in the gnomAD database. This variant has not been reported in the literature in individuals affected with FBN3-related conditions. ClinVar contains an entry for this variant (Variation ID: 1984316). Advanced modeling of protein sequence and biophysical properties (such as structural, functional, and spatial information, amino acid conservation, physicochemical variation, residue mobility, and thermodynamic stability) performed at Invitae indicates that this missense variant is expected to disrupt FBN3 protein function with a positive predictive value of 80%. In summary, the available evidence is currently insufficient to determine the role of this variant in disease. Therefore, it has been classified as a Variant of Uncertain Significance.

NM_032447.5(FBN3):c.877G>A (p.Gly293Ser)

Gene: FBN3 (fibrillin 3; minus strand). Cytogenetic location: 19p13.2.
Variant type: single nucleotide variant.
Coding change: c.877G>A on transcript NM_032447.5 (MANE Select); coding-DNA position 877, G replaced by A.
Protein change: p.Gly293Ser; replaces glycine 293 with serine.
Molecular consequence: missense variant.
Genome position (GRCh38, 1-based): chr19:8,138,553, C>T on the plus strand (G>A on the coding strand, the complement: FBN3 is on the minus strand). VCF-style: chr19-8138553-C-T. GRCh37 (hg19) VCF-style: chr19-8203437-C-T.
Other names: c.877G>A, p.Gly293Ser (NM_001321431.2); short protein forms G293S.
Identifiers: ClinVar variation 1984316 (VCV001984316.4), dbSNP rs193095701, ClinGen allele CA9153547.